The following is an entry in ClinVar:

NM_006297.3(XRCC1):c.215T>C (p.Val72Ala)

Gene: XRCC1 (X-ray repair cross complementing 1; minus strand). Cytogenetic location: 19q13.31.
Variant type: single nucleotide variant.
Coding change: c.215T>C on transcript NM_006297.3 (MANE Select); coding-DNA position 215, T replaced by C.
Protein change: p.Val72Ala; replaces valine 72 with alanine.
Molecular consequence: missense variant.
Genome position (GRCh38, 1-based): chr19:43,560,950, A>G on the plus strand (T>C on the coding strand, the complement: XRCC1 is on the minus strand). VCF-style: chr19-43560950-A-G. GRCh37 (hg19) VCF-style: chr19-44065102-A-G.
Other names: short protein forms V72A.
Identifiers: ClinVar variation 711731 (VCV000711731.7), dbSNP rs25496, ClinGen allele CA9488875.

ClinVar aggregate classification (germline): Benign. Review status: criteria provided, multiple submitters, no conflicts (2 of 4 stars). 3 submissions from 3 submitters: Benign (2). 1 of the submissions does not count toward it. Last evaluated 2019-12-31.

Conditions:
XRCC1-related disorder. Also called: XRCC1-related condition.

Allele frequency attached by ClinVar (database versions not stated): gnomAD exomes 0.00166 and 0.00433; ExAC 0.00527; 1000 Genomes Project 30x 0.01249; 1000 Genomes Project 0.01338; gnomAD 0.01747 and 0.01912; TOPMed 0.01955; ESP Exome Variant Server 0.02107.
gnomAD v4.1: 5,168 of 1,614,150 alleles (0.32%); highest among the groups gnomAD compares: African/African-American, 6.2%; 139 homozygotes.

Submissions (3):

Labcorp Genetics (formerly Invitae), Labcorp
Classification: Benign. Last evaluated: 2019-12-31. Review status: criteria provided, single submitter. Criteria: Invitae Variant Classification Sherloc (09022015). Collection method: clinical testing. Allele origin: germline.

Breakthrough Genomics
Classification: Benign. Review status: criteria provided, single submitter. Criteria: ACMG Guidelines, 2015. Collection method: not provided. Allele origin: germline. Inheritance: Autosomal recessive inheritance. Affected: yes.

PreventionGenetics, part of Exact Sciences
Classification: Likely benign for XRCC1-related condition. Last evaluated: 2020-02-14. Review status: no assertion criteria provided. Collection method: clinical testing. Allele origin: germline. Not counted in ClinVar's aggregate classification.
Comment: This variant is classified as likely benign based on ACMG/AMP sequence variant interpretation guidelines (Richards et al. 2015 PMID: 25741868, with internal and published modifications).